The following is an entry in ClinVar:

ClinVar aggregate classification (germline): Pathogenic (1 of 4 stars; one submission).

Conditions:
Chromosome 2q32-q33 deletion syndrome (GLASS). Also called: Glass syndrome; 2q33.1 deletion syndrome. Identifiers: Orphanet 251019, MedGen C2676739, MONDO:0012864, OMIM 612313.

Submission:

Labcorp Genetics (formerly Invitae), Labcorp
Classification: Pathogenic for Chromosome 2q32-q33 deletion syndrome. Last evaluated: 2021-03-22. Review status: criteria provided, single submitter. Criteria: Invitae Variant Classification Sherloc (09022015). Collection method: clinical testing. Allele origin: germline.
Comment: This sequence change affects a donor splice site in intron 4 of the SATB2 gene. It is expected to disrupt RNA splicing. Variants that disrupt the donor or acceptor splice site typically lead to a loss of protein function (PMID: 16199547), and loss-of-function variants in SATB2 are known to be pathogenic (PMID: 25885067). This variant is not present in population databases (ExAC no frequency). This variant has been observed in individual(s) with clinical features of Glass syndrome (Invitae). In at least one individual the variant was observed to be de novo. For these reasons, this variant has been classified as Pathogenic.

Literature cited by the submitters: PubMed 16199547; PubMed 25885067.

NM_001172509.2(SATB2):c.346+1G>A

Gene: SATB2 (SATB homeobox 2; minus strand). Cytogenetic location: 2q33.1.
Variant type: single nucleotide variant.
Coding change: c.346+1G>A on transcript NM_001172509.2 (MANE Select); the canonical splice donor site of the intron after coding-DNA position 346, G replaced by A.
Molecular consequence: splice donor variant.
Genome position (GRCh38, 1-based): chr2:199,433,337, C>T on the plus strand (G>A on the coding strand, the complement: SATB2 is on the minus strand). VCF-style: chr2-199433337-C-T. GRCh37 (hg19) VCF-style: chr2-200298060-C-T.
Other names: c.346+1G>A (NM_001172517.1, NM_015265.4).
Identifiers: ClinVar variation 1457171 (VCV001457171.6), dbSNP rs2105928782, ClinGen allele CA350386606.